The following is an entry in ClinVar:

NM_005932.4(MIPEP):c.1007T>C (p.Phe336Ser)

Gene: MIPEP (mitochondrial intermediate peptidase; minus strand). Cytogenetic location: 13q12.12.
Variant type: single nucleotide variant.
Coding change: c.1007T>C on transcript NM_005932.4 (MANE Select); coding-DNA position 1007, T replaced by C.
Protein change: p.Phe336Ser; replaces phenylalanine 336 with serine.
Molecular consequence: missense variant.
Genome position (GRCh38, 1-based): chr13:23,862,348, A>G on the plus strand (T>C on the coding strand, the complement: MIPEP is on the minus strand). VCF-style: chr13-23862348-A-G. GRCh37 (hg19) VCF-style: chr13-24436487-A-G.
Other names: short protein forms F336S.
Identifiers: ClinVar variation 2769653 (VCV002769653.3), dbSNP rs1870346836, ClinGen allele CA387526172.

ClinVar aggregate classification (germline): Uncertain significance (1 of 4 stars; one submission).

Submission:

Labcorp Genetics (formerly Invitae), Labcorp
Classification: Uncertain significance. Last evaluated: 2024-06-17. Review status: criteria provided, single submitter. Criteria: Invitae Variant Classification Sherloc (09022015). Collection method: clinical testing. Allele origin: germline.
Comment: This sequence change replaces phenylalanine, which is neutral and non-polar, with serine, which is neutral and polar, at codon 336 of the MIPEP protein (p.Phe336Ser). This variant is not present in population databases (gnomAD no frequency). This variant has not been reported in the literature in individuals affected with MIPEP-related conditions. Advanced modeling of protein sequence and biophysical properties (such as structural, functional, and spatial information, amino acid conservation, physicochemical variation, residue mobility, and thermodynamic stability) performed at Invitae indicates that this missense variant is not expected to disrupt MIPEP protein function with a negative predictive value of 80%. In summary, the available evidence is currently insufficient to determine the role of this variant in disease. Therefore, it has been classified as a Variant of Uncertain Significance.